The following is an entry in ClinVar:

ClinVar aggregate classification (germline): Uncertain significance (1 of 4 stars; one submission).

Allele frequency attached by ClinVar (database versions not stated): gnomAD exomes below 0.00001; ESP Exome Variant Server 0.00008.
gnomAD v4.1: 5 of 1,613,828 alleles (0.00031%); highest among the groups gnomAD compares: Non-Finnish European, 0.00042%; no homozygotes.

Submission:

Labcorp Genetics (formerly Invitae), Labcorp
Classification: Uncertain significance. Last evaluated: 2022-04-28. Review status: criteria provided, single submitter. Criteria: Invitae Variant Classification Sherloc (09022015). Collection method: clinical testing. Allele origin: germline.
Comment: This sequence change replaces lysine, which is basic and polar, with methionine, which is neutral and non-polar, at codon 18 of the HMOX1 protein (p.Lys18Met). This variant is not present in population databases (gnomAD no frequency). This variant has not been reported in the literature in individuals affected with HMOX1-related conditions. Algorithms developed to predict the effect of missense changes on protein structure and function are either unavailable or do not agree on the potential impact of this missense change (SIFT: "Deleterious"; PolyPhen-2: "Probably Damaging"; Align-GVGD: "Class C0"). In summary, the available evidence is currently insufficient to determine the role of this variant in disease. Therefore, it has been classified as a Variant of Uncertain Significance.

NM_002133.3(HMOX1):c.53A>T (p.Lys18Met)

Gene: HMOX1 (heme oxygenase 1; plus strand). Cytogenetic location: 22q12.3.
Variant type: single nucleotide variant.
Coding change: c.53A>T on transcript NM_002133.3 (MANE Select); coding-DNA position 53, A replaced by T.
Protein change: p.Lys18Met; replaces lysine 18 with methionine.
Molecular consequence: missense variant.
Genome position (GRCh38, 1-based): chr22:35,383,135, A>T. VCF-style: chr22-35383135-A-T. GRCh37 (hg19) VCF-style: chr22-35779128-A-T.
Other names: short protein forms K18M.
Identifiers: ClinVar variation 2191602 (VCV002191602.1), dbSNP rs150399064, ClinGen allele CA323518928.